The following is an entry in ClinVar:

NM_004836.7(EIF2AK3):c.1113AGA[1] (p.Glu372del)

Gene: EIF2AK3 (eukaryotic translation initiation factor 2 alpha kinase 3; minus strand). Cytogenetic location: 2p11.2.
Variant type: Microsatellite.
Coding change: c.1113AGA[1] on transcript NM_004836.7 (MANE Select); one copy of the 3-base unit AGA starting at c.1113; the reference has two copies in a row; one copy, 3 bases deleted.
Protein change: p.Glu372del; deletes glutamic acid 372.
Molecular consequence: inframe deletion.
Genome position (GRCh38, 1-based): chr2:88,590,490-88,590,492, TCT deleted on the plus strand (AGA on the coding strand, the reverse complement: EIF2AK3 is on the minus strand); deleting any 3 consecutive bases within chr2:88,590,490-88,590,497 gives the same sequence; the position shown is the placement nearest the transcript's 3' end. VCF-style (leftmost placement, unchanged base first): chr2-88590489-GTCT-G. GRCh37 (hg19) VCF-style: chr2-88890007-GTCT-G.
Other names: c.660AGA[1], p.Glu221del (NM_001313915.2); short protein forms E372del, E221del.
Identifiers: ClinVar variation 1934380 (VCV001934380.2), dbSNP rs1399239293, ClinGen allele CA534630216.

ClinVar aggregate classification (germline): Uncertain significance (1 of 4 stars; one submission).

Submission:

Labcorp Genetics (formerly Invitae), Labcorp
Classification: Uncertain significance. Last evaluated: 2022-06-13. Review status: criteria provided, single submitter. Criteria: Invitae Variant Classification Sherloc (09022015). Collection method: clinical testing. Allele origin: germline.
Comment: This variant, c.1116_1118del, results in the deletion of 1 amino acid(s) of the EIF2AK3 protein (p.Glu372del), but otherwise preserves the integrity of the reading frame. This variant is present in population databases (no rsID available, gnomAD 0.007%). This variant has not been reported in the literature in individuals affected with EIF2AK3-related conditions. Experimental studies and prediction algorithms are not available or were not evaluated, and the functional significance of this variant is currently unknown. In summary, the available evidence is currently insufficient to determine the role of this variant in disease. Therefore, it has been classified as a Variant of Uncertain Significance.